The following is an entry in ClinVar:

NM_153332.4(ERI1):c.417T>C (p.Cys139=)

Gene: ERI1 (exoribonuclease 1). Cytogenetic location: 8p23.1.
Variant type: single nucleotide variant.
Coding change: c.417T>C on transcript NM_153332.4 (MANE Select); coding-DNA position 417, T replaced by C.
Protein change: p.Cys139=; no amino-acid change (cysteine 139 retained).
Molecular consequence: synonymous variant.
Genome position (GRCh38, 1-based): chr8:9,011,671, T>C. VCF-style: chr8-9011671-T-C. GRCh37 (hg19) VCF-style: chr8-8869181-T-C.
Other names: c.183T>C, p.Cys61= (NM_001354635.2); c.72T>C, p.Cys24= (NM_001354636.2); c.417T>C, p.Cys139= (NM_001354638.2).
Identifiers: ClinVar variation 3033956 (VCV003033956.2), dbSNP rs143220656, ClinGen allele CA4619803.

ClinVar aggregate classification (germline): Likely benign (0 of 4 stars; one submission).

Conditions:
ERI1-related disorder. Also called: ERI1-related condition.

Allele frequency attached by ClinVar (database versions not stated): ExAC 0.00062; gnomAD 0.00213; TOPMed 0.00224; ESP Exome Variant Server 0.00292; 1000 Genomes Project 0.00300; 1000 Genomes Project 30x 0.00312.
gnomAD v4.1: 642 of 1,613,744 alleles (0.04%); highest among the groups gnomAD compares: African/African-American, 0.76%; 6 homozygotes.

Submission:

PreventionGenetics, part of Exact Sciences
Classification: Likely benign for ERI1-related condition. Last evaluated: 2019-03-20. Review status: no assertion criteria provided. Collection method: clinical testing. Allele origin: germline.
Comment: This variant is classified as likely benign based on ACMG/AMP sequence variant interpretation guidelines (Richards et al. 2015 PMID: 25741868, with internal and published modifications).